The following is an entry in ClinVar:

ClinVar aggregate classification (germline): Uncertain significance (1 of 4 stars; one submission).

Conditions:
Ataxia-telangiectasia syndrome (AT). Also called: LOUIS-BAR SYNDROME; Cerebello-oculocutaneous telangiectasia; Immunodeficiency with ataxia telangiectasia; AT, COMPLEMENTATION GROUP C; Ataxia-telangiectasia, complementation group D; ATAXIA-TELANGIECTASIA, COMPLEMENTATION GROUP A. Identifiers: Orphanet 100, MedGen C0004135, MONDO:0008840, OMIM 208900.

Submission:

Labcorp Genetics (formerly Invitae), Labcorp
Classification: Uncertain significance for Ataxia-telangiectasia syndrome. Last evaluated: 2023-09-27. Review status: criteria provided, single submitter. Criteria: Invitae Variant Classification Sherloc (09022015). Collection method: clinical testing. Allele origin: unknown.
Comment: This variant is a gross deletion of the genomic region encompassing exon(s) 15 of the ATM gene. This variant would be expected to be in-frame, preserving the integrity of the reading frame. This variant has not been reported in the literature in individuals affected with ATM-related conditions. Experimental studies and prediction algorithms are not available or were not evaluated, and the functional significance of this variant is currently unknown. In summary, the available evidence is currently insufficient to determine the role of this variant in disease. Therefore, it has been classified as a Variant of Uncertain Significance.

NC_000011.9:g.(?_108128198)_(108128343_?)del

Gene: ATM (ATM serine/threonine kinase; plus strand). Cytogenetic location: 11q22.3.
Variant type: Deletion.
Identifiers: ClinVar variation 3244451 (VCV003244451.1).